The following is an entry in ClinVar:

ClinVar aggregate classification (germline): Uncertain significance. Review status: criteria provided, multiple submitters, no conflicts (2 of 4 stars). 2 submissions from 2 submitters: Uncertain significance (2). Last evaluated 2025-04-24.

Conditions:
Myofibrillar myopathy 6. Identifiers: Orphanet 199340, MedGen C2751831, MONDO:0013061, OMIM 612954.
Dilated cardiomyopathy 1HH (CMD1HH). Identifiers: Orphanet 154, MedGen C3151293, MONDO:0013479, OMIM 613881.

Submissions (2):

Labcorp Genetics (formerly Invitae), Labcorp
Classification: Uncertain significance for Dilated cardiomyopathy 1HH; Myofibrillar myopathy 6. Last evaluated: 2025-04-24. Review status: criteria provided, single submitter. Criteria: Invitae Variant Classification Sherloc (09022015). Collection method: clinical testing. Allele origin: germline.
Comment: This sequence change replaces isoleucine, which is neutral and non-polar, with methionine, which is neutral and non-polar, at codon 342 of the BAG3 protein (p.Ile342Met). This variant is not present in population databases (gnomAD no frequency). This variant has not been reported in the literature in individuals affected with BAG3-related conditions. ClinVar contains an entry for this variant (Variation ID: 2040326). Invitae Evidence Modeling of protein sequence and biophysical properties (such as structural, functional, and spatial information, amino acid conservation, physicochemical variation, residue mobility, and thermodynamic stability) indicates that this missense variant is not expected to disrupt BAG3 protein function with a negative predictive value of 80%. In summary, the available evidence is currently insufficient to determine the role of this variant in disease. Therefore, it has been classified as a Variant of Uncertain Significance.

Revvity Omics, Revvity
Classification: Uncertain significance. Last evaluated: 2025-03-26. Review status: criteria provided, single submitter. Criteria: ACMG Guidelines, 2015. Collection method: clinical testing. Allele origin: germline.

NM_004281.4(BAG3):c.1026C>G (p.Ile342Met)

Gene: BAG3 (BAG cochaperone 3; plus strand). Cytogenetic location: 10q26.11.
Variant type: single nucleotide variant.
Coding change: c.1026C>G on transcript NM_004281.4 (MANE Select); coding-DNA position 1026, C replaced by G.
Protein change: p.Ile342Met; replaces isoleucine 342 with methionine.
Molecular consequence: missense variant.
Genome position (GRCh38, 1-based): chr10:119,676,580, C>G. VCF-style: chr10-119676580-C-G. GRCh37 (hg19) VCF-style: chr10-121436092-C-G.
Other names: short protein forms I342M.
Identifiers: ClinVar variation 2040326 (VCV002040326.4), dbSNP rs2494022594, ClinGen allele CA378296488.
Genomic context (GRCh38, chr10:119,676,580, plus strand): 5'-AAGTAAGCCAGGCCCAGTTGGACCAGAACTCCCTCCTGGACACATCCCAATTCAAGTGAT[C>G]CGCAAAGAGGTGGATTCTAAACCTGTTTCCCAGAAGCCCCCACCTCCCTCTGAGAAGGTA-3'
Protein context (NP_004272.2, residues 332-352): LPPGHIPIQV[Ile342Met]RKEVDSKPVS